The following is an entry in ClinVar:

ClinVar aggregate classification (germline): Conflicting classifications of pathogenicity. Review status: criteria provided, conflicting classifications (1 of 4 stars). 2 submissions from 2 submitters: Uncertain significance (1); Likely benign (1). Last evaluated 2026-07-08.

Conditions:
TTN-related disorder. Also called: TTN-related disorders; TTN-related condition; TTN-related disease.
Cardiovascular phenotype. Identifiers: MedGen CN230736.

Allele frequency attached by ClinVar (database versions not stated): gnomAD exomes below 0.00001; gnomAD 0.00001; ExAC 0.00002; TOPMed 0.00002.
gnomAD v4.1: 4 of 1,613,250 alleles (0.00025%); highest among the groups gnomAD compares: African/African-American, 0.0053%; no homozygotes.

Submissions (2):

PreventionGenetics, part of Exact Sciences
Classification: Uncertain significance for TTN-related condition. Last evaluated: 2026-07-08. Review status: criteria provided, single submitter. Criteria: ACMG Guidelines, 2015. Collection method: clinical testing. Allele origin: germline.
Comment: The TTN c.83695G>C variant is predicted to result in the amino acid substitution p.Val27899Leu. To our knowledge, this variant has not been reported in the literature. This variant is reported in 0.013% of alleles in individuals of African descent in gnomAD. At this time, the clinical significance of this variant is uncertain due to the absence of conclusive functional and genetic evidence.

Ambry Genetics
Classification: Likely benign for Cardiovascular phenotype. Last evaluated: 2020-09-11. Review status: criteria provided, single submitter. Criteria: Ambry Variant Classification Scheme 2023. Collection method: clinical testing. Allele origin: germline.

NM_001267550.2(TTN):c.83695G>C (p.Val27899Leu)

Genes: TTN (titin; minus strand), TTN-AS1 (TTN antisense RNA 1; plus strand). Cytogenetic location: 2q31.2.
Variant type: single nucleotide variant.
Coding change: c.83695G>C on transcript NM_001267550.2 (MANE Select); coding-DNA position 83695, G replaced by C.
Protein change: p.Val27899Leu; replaces valine 27899 with leucine.
Molecular consequence: missense variant.
Genome position (GRCh38, 1-based): chr2:178,562,437, C>G on the plus strand (G>C on the coding strand, the complement: TTN is on the minus strand). VCF-style: chr2-178562437-C-G. GRCh37 (hg19) VCF-style: chr2-179427164-C-G.
Other names: c.78772G>C, p.Val26258Leu (NM_001256850.1); c.56500G>C, p.Val18834Leu (NM_003319.4); c.75991G>C, p.Val25331Leu (NM_133378.4); c.56875G>C, p.Val18959Leu (NM_133432.3); c.57076G>C, p.Val19026Leu (NM_133437.4); short protein forms V27899L, V18959L, V19026L, V26258L, V18834L, V25331L.
Identifiers: ClinVar variation 1748871 (VCV001748871.3), dbSNP rs775678192, ClinGen allele CA1988883.